The following is an entry in ClinVar:

NM_002439.5(MSH3):c.3023T>C (p.Val1008Ala)

Gene: MSH3 (mutS homolog 3; plus strand). Cytogenetic location: 5q14.1.
Variant type: single nucleotide variant.
Coding change: c.3023T>C on transcript NM_002439.5 (MANE Select); coding-DNA position 3023, T replaced by C.
Protein change: p.Val1008Ala; replaces valine 1008 with alanine.
Molecular consequence: missense variant.
Genome position (GRCh38, 1-based): chr5:80,864,835, T>C. VCF-style: chr5-80864835-T-C. GRCh37 (hg19) VCF-style: chr5-80160654-T-C.
Other names: short protein forms V1008A.
Identifiers: ClinVar variation 1517645 (VCV001517645.12), dbSNP rs757219540, ClinGen allele CA3328433.

ClinVar aggregate classification (germline): Uncertain significance. Review status: criteria provided, multiple submitters, no conflicts (2 of 4 stars). 3 submissions from 3 submitters: Uncertain significance (3). Last evaluated 2025-08-05.

Conditions:
Hereditary cancer-predisposing syndrome. Also called: Tumor predisposition; Neoplastic Syndromes, Hereditary; Hereditary neoplastic syndrome; Hereditary Cancer Syndrome. Identifiers: Orphanet 140162, MedGen C0027672, MeSH D009386, MONDO:0015356.

Allele frequency attached by ClinVar (database versions not stated): gnomAD exomes below 0.00001 and 0.00001; TOPMed below 0.00001; gnomAD 0.00001; ExAC 0.00002.
gnomAD v4.1: 6 of 1,612,338 alleles (0.00037%); highest among the groups gnomAD compares: African/African-American, 0.0013%; no homozygotes.

Submissions (3):

Labcorp Genetics (formerly Invitae), Labcorp
Classification: Uncertain significance. Last evaluated: 2025-08-05. Review status: criteria provided, single submitter. Criteria: Invitae Variant Classification Sherloc (09022015). Collection method: clinical testing. Allele origin: germline.
Comment: This sequence change replaces valine, which is neutral and non-polar, with alanine, which is neutral and non-polar, at codon 1008 of the MSH3 protein (p.Val1008Ala). This variant is present in population databases (rs757219540, gnomAD 0.007%). This variant has not been reported in the literature in individuals affected with MSH3-related conditions. ClinVar contains an entry for this variant (Variation ID: 1517645). An algorithm developed to predict the effect of missense changes on protein structure and function (PolyPhen-2) suggests that this variant is likely to be disruptive. In summary, the available evidence is currently insufficient to determine the role of this variant in disease. Therefore, it has been classified as a Variant of Uncertain Significance.

Ambry Genetics
Classification: Uncertain significance for Hereditary cancer-predisposing syndrome. Last evaluated: 2024-05-29. Review status: criteria provided, single submitter. Criteria: Ambry Variant Classification Scheme 2023. Collection method: clinical testing. Allele origin: germline.
Comment: The p.V1008A variant (also known as c.3023T>C), located in coding exon 22 of the MSH3 gene, results from a T to C substitution at nucleotide position 3023. The valine at codon 1008 is replaced by alanine, an amino acid with similar properties. This amino acid position is highly conserved in available vertebrate species. In addition, the in silico prediction for this alteration is inconclusive. Based on the available evidence, the clinical significance of this variant remains unclear.

GeneDx
Classification: Uncertain significance. Last evaluated: 2022-04-13. Review status: criteria provided, single submitter. Criteria: GeneDx Variant Classification Process June 2021. Collection method: clinical testing. Allele origin: germline. Affected: yes.
Comment: Not observed at significant frequency in large population cohorts (gnomAD); In silico analysis supports that this missense variant has a deleterious effect on protein structure/function; Has not been previously published as pathogenic or benign to our knowledge